The following is an entry in ClinVar:

NM_015335.5(MED13L):c.4700A>G (p.Asn1567Ser)

Gene: MED13L (mediator complex subunit 13L; minus strand). Cytogenetic location: 12q24.21.
Variant type: single nucleotide variant.
Coding change: c.4700A>G on transcript NM_015335.5 (MANE Select); coding-DNA position 4700, A replaced by G.
Protein change: p.Asn1567Ser; replaces asparagine 1567 with serine.
Molecular consequence: missense variant.
Genome position (GRCh38, 1-based): chr12:115,983,372, T>C on the plus strand (A>G on the coding strand, the complement: MED13L is on the minus strand). VCF-style: chr12-115983372-T-C. GRCh37 (hg19) VCF-style: chr12-116421177-T-C.
Other names: short protein forms N1567S.
Identifiers: ClinVar variation 2661921 (VCV002661921.1), dbSNP rs2499827105, ClinGen allele CA386883062.

ClinVar aggregate classification (germline): Uncertain significance (1 of 4 stars; one submission).

Submission:

GeneDx
Classification: Uncertain significance. Last evaluated: 2023-04-20. Review status: criteria provided, single submitter. Criteria: GeneDx Variant Classification Process June 2021. Collection method: clinical testing. Allele origin: germline. Affected: yes.
Comment: Not observed at significant frequency in large population cohorts (gnomAD); In silico analysis supports that this missense variant does not alter protein structure/function; Has not been previously published as pathogenic or benign to our knowledge